The following is an entry in ClinVar:

NM_000051.4(ATM):c.4050G>A (p.Thr1350=)

Gene: ATM (ATM serine/threonine kinase; plus strand). Cytogenetic location: 11q22.3.
Variant type: single nucleotide variant.
Coding change: c.4050G>A on transcript NM_000051.4 (MANE Select); coding-DNA position 4050, G replaced by A.
Protein change: p.Thr1350=; no amino-acid change (threonine 1350 retained).
Molecular consequence: synonymous variant.
Genome position (GRCh38, 1-based): chr11:108,287,656, G>A. VCF-style: chr11-108287656-G-A. GRCh37 (hg19) VCF-style: chr11-108158383-G-A.
Other names: c.4050G>A, p.Thr1350= (NM_001351834.2).
Identifiers: ClinVar variation 186770 (VCV000186770.39), dbSNP rs770697446, ClinGen allele CA195821.

ClinVar aggregate classification (germline): Benign/Likely benign. Review status: criteria provided, multiple submitters, no conflicts (2 of 4 stars). 12 submissions from 12 submitters: Benign (2); Likely benign (9). 1 of the submissions does not count toward it. Last evaluated 2026-02-02.

Conditions:
ATM-related disorder. Also called: ATM-related disorders; ATM-related condition.
Hereditary cancer-predisposing syndrome. Also called: Tumor predisposition; Neoplastic Syndromes, Hereditary; Hereditary Cancer Syndrome; Hereditary neoplastic syndrome. Identifiers: Orphanet 140162, MedGen C0027672, MeSH D009386, MONDO:0015356.
Familial cancer of breast. Also called: hereditary breast carcinoma; BREAST CANCER, FAMILIAL; Hereditary breast cancer. Identifiers: Orphanet 227535, MedGen C0346153, MONDO:0016419, OMIM 114480. Disease mechanism: loss of function.
Ataxia-telangiectasia syndrome (AT). Also called: LOUIS-BAR SYNDROME; Ataxia-telangiectasia, complementation group D; Ataxia telangiectasia (A-T); AT, COMPLEMENTATION GROUP C; ATAXIA-TELANGIECTASIA, COMPLEMENTATION GROUP A; ATAXIA-TELANGIECTASIA, FRESNO VARIANT. Identifiers: Orphanet 100, MedGen C0004135, MONDO:0008840, OMIM 208900.

Allele frequency attached by ClinVar (database versions not stated): ExAC 0.00002; gnomAD 0.00002; gnomAD exomes 0.00002; TOPMed 0.00003.
gnomAD v4.1: 16 of 1,613,608 alleles (0.00099%); highest among the groups gnomAD compares: East Asian, 0.0045%; no homozygotes.

Submissions (12):

Labcorp Genetics (formerly Invitae), Labcorp
Classification: Likely benign for Ataxia-telangiectasia syndrome. Last evaluated: 2026-02-02. Review status: criteria provided, single submitter. Criteria: Invitae Variant Classification Sherloc (09022015). Collection method: clinical testing. Allele origin: germline.

Hereditary Cancer Laboratory, Hospital Universitario 12 de Octubre
Classification: Likely benign for Hereditary cancer-predisposing syndrome. Last evaluated: 2025-04-27. Review status: criteria provided, single submitter. Criteria: ACMG Guidelines, 2015. Collection method: clinical testing. Allele origin: germline.
Comment: PM2+BP4+BP6+BP7

CeGaT Center for Human Genetics Tuebingen
Classification: Likely benign. Last evaluated: 2024-06-01. Review status: criteria provided, single submitter. Criteria: CeGaT Center For Human Genetics Tuebingen Variant Classification Criteria Version 2. Collection method: clinical testing. Allele origin: germline. Affected: yes. Observed: 1 variant allele.
Comment: ATM: BP4, BP7

Myriad Genetics, Inc.
Classification: Benign for Familial cancer of breast. Last evaluated: 2024-05-16. Review status: criteria provided, single submitter. Criteria: Myriad Autosomal Dominant, Autosomal Recessive and X-Linked Classification Criteria (2023). Collection method: clinical testing. Allele origin: unknown.
Comment: This variant is considered benign. This variant is a silent/synonymous amino acid change and it is not expected to impact splicing.

KCCC/NGS Laboratory, Kuwait Cancer Control Center
Classification: Likely benign for Familial cancer of breast. Last evaluated: 2023-07-07. Review status: criteria provided, single submitter. Criteria: ACMG Guidelines, 2015. Collection method: clinical testing. Allele origin: germline. Affected: yes.

Women's Health and Genetics/Laboratory Corporation of America, LabCorp
Classification: Likely benign. Last evaluated: 2022-04-25. Review status: criteria provided, single submitter. Criteria: LabCorp Variant Classification Summary - May 2015. Collection method: clinical testing. Allele origin: germline.

Blueprint Genetics
Classification: Likely benign. Last evaluated: 2021-04-09. Review status: criteria provided, single submitter. Criteria: ACMG Guidelines, 2015. Collection method: clinical testing. Allele origin: germline.

Color Diagnostics, LLC DBA Color Health
Classification: Likely benign for Hereditary cancer-predisposing syndrome. Last evaluated: 2016-05-29. Review status: criteria provided, single submitter. Criteria: ACMG Guidelines, 2015. Collection method: clinical testing. Allele origin: germline.

GeneDx
Classification: Benign. Last evaluated: 2015-03-17. Review status: criteria provided, single submitter. Criteria: GeneDx Variant Classification (06012015). Collection method: clinical testing. Allele origin: germline. Affected: yes.
Comment: This variant is considered likely benign or benign based on one or more of the following criteria: it is a conservative change, it occurs at a poorly conserved position in the protein, it is predicted to be benign by multiple in silico algorithms, and/or has population frequency not consistent with disease.

Ambry Genetics
Classification: Likely benign for Hereditary cancer-predisposing syndrome. Last evaluated: 2014-10-22. Review status: criteria provided, single submitter. Criteria: Ambry Variant Classification Scheme 2023. Collection method: clinical testing. Allele origin: germline.

Breakthrough Genomics
Classification: Likely benign. Review status: criteria provided, single submitter. Criteria: ACMG Guidelines, 2015. Collection method: not provided. Allele origin: germline. Inheritance: Autosomal recessive inheritance. Affected: yes.

PreventionGenetics, part of Exact Sciences
Classification: Likely benign for ATM-related condition. Last evaluated: 2024-06-17. Review status: no assertion criteria provided. Collection method: clinical testing. Allele origin: germline. Not counted in ClinVar's aggregate classification.
Comment: This variant is classified as likely benign based on ACMG/AMP sequence variant interpretation guidelines (Richards et al. 2015 PMID: 25741868, with internal and published modifications).